The following is an entry in ClinVar:

ClinVar aggregate classification (germline): Uncertain significance (1 of 4 stars; one submission).

Conditions:
Polyhydramnios, megalencephaly, and symptomatic epilepsy (PMSE). Also called: PMSE SYNDROME. Identifiers: Orphanet 500533, MedGen C1970203, MONDO:0012611, OMIM 611087.

Submission:

Labcorp Genetics (formerly Invitae), Labcorp
Classification: Uncertain significance for Polyhydramnios, megalencephaly, and symptomatic epilepsy. Last evaluated: 2022-03-04. Review status: criteria provided, single submitter. Criteria: Invitae Variant Classification Sherloc (09022015). Collection method: clinical testing. Allele origin: germline.
Comment: In summary, the available evidence is currently insufficient to determine the role of this variant in disease. Therefore, it has been classified as a Variant of Uncertain Significance. Algorithms developed to predict the effect of missense changes on protein structure and function are either unavailable or do not agree on the potential impact of this missense change (SIFT: "Tolerated"; PolyPhen-2: "Probably Damaging"; Align-GVGD: "Class C0"). This variant has not been reported in the literature in individuals affected with STRADA-related conditions. This variant is not present in population databases (gnomAD no frequency). This sequence change replaces methionine, which is neutral and non-polar, with threonine, which is neutral and polar, at codon 282 of the STRADA protein (p.Met282Thr).

NM_001003787.4(STRADA):c.845T>C (p.Met282Thr)

Gene: STRADA (STE20 related adaptor alpha; minus strand). Cytogenetic location: 17q23.3.
Variant type: single nucleotide variant.
Coding change: c.845T>C on transcript NM_001003787.4 (MANE Select); coding-DNA position 845, T replaced by C.
Protein change: p.Met282Thr; replaces methionine 282 with threonine.
Molecular consequence: missense variant. On other transcripts: non-coding transcript variant (1).
Genome position (GRCh38, 1-based): chr17:63,706,648, A>G on the plus strand (T>C on the coding strand, the complement: STRADA is on the minus strand). VCF-style: chr17-63706648-A-G. GRCh37 (hg19) VCF-style: chr17-61784008-A-G.
Other names: c.734T>C, p.Met245Thr (NM_001003786.3, NM_001363789.1, NM_153335.6); c.671T>C, p.Met224Thr (NM_001003788.3, NM_001363790.1, NM_001363791.1); c.758T>C, p.Met253Thr (NM_001165969.2, NM_001363787.1, NM_001411084.1); c.713T>C, p.Met238Thr (NM_001165970.2); c.821T>C, p.Met274Thr (NM_001363786.1); c.845T>C, p.Met282Thr (NM_001363788.1, NM_001411083.1); c.673T>C, p.Cys225Arg (NM_001411085.1); short protein forms M238T, M245T, M282T, M224T, C225R, M253T, M274T.
Identifiers: ClinVar variation 2049943 (VCV002049943.4), dbSNP rs202125976, ClinGen allele CA292942934.